The following is an entry in ClinVar:

NM_015311.3(OBSL1):c.3934C>T (p.Gln1312Ter)

Gene: OBSL1 (obscurin like cytoskeletal adaptor 1; minus strand). Cytogenetic location: 2q35.
Variant type: single nucleotide variant.
Coding change: c.3934C>T on transcript NM_015311.3 (MANE Select); coding-DNA position 3934, C replaced by T.
Protein change: p.Gln1312Ter; replaces glutamine 1312 with a stop codon.
Molecular consequence: nonsense.
Genome position (GRCh38, 1-based): chr2:219,557,475, G>A on the plus strand (C>T on the coding strand, the complement: OBSL1 is on the minus strand). VCF-style: chr2-219557475-G-A. GRCh37 (hg19) VCF-style: chr2-220422197-G-A.
Other names: c.3934C>T, p.Gln1312Ter (NM_001173431.2); short protein forms Q1312*.
Identifiers: ClinVar variation 4887244 (VCV004887244.1).

ClinVar aggregate classification (germline): Uncertain significance (1 of 4 stars; one submission).

gnomAD v4.1: 7 of 1,552,480 alleles (0.00045%); highest among the groups gnomAD compares: East Asian, 0.017%; no homozygotes.

Submission:

Women's Health and Genetics/Laboratory Corporation of America, LabCorp
Classification: Uncertain significance. Last evaluated: 2026-06-30. Review status: criteria provided, single submitter. Criteria: LabCorp Variant Classification Summary - May 2015. Collection method: clinical testing. Allele origin: germline.
Comment: Variant summary: OBSL1 c.3934C>T (p.Gln1312X) results in a premature termination codon, predicted to cause a truncation of the encoded protein. However, it is currently unclear if variants that occur in this region of the gene cause disease. . The frequency data for this variant in gnomAD is considered unreliable, as metrics indicate poor data quality at this position. To our knowledge, no occurrence of c.3934C>T in individuals affected with OBSL1-related conditions and no experimental evidence demonstrating its impact on protein function have been reported. No submitters have cited clinical-significance assessments for this variant to ClinVar. Based on the evidence outlined above, the variant was classified as uncertain significance.